The following is an entry in ClinVar:

ClinVar aggregate classification (germline): Conflicting classifications of pathogenicity. Review status: criteria provided, conflicting classifications (1 of 4 stars). 2 submissions from 2 submitters: Uncertain significance (1); Likely benign (1). Last evaluated 2025-08-29.

Conditions:
Inborn genetic diseases. Identifiers: MedGen C0950123, MeSH D030342.

Allele frequency attached by ClinVar (database versions not stated): ExAC below 0.00001; gnomAD exomes 0.00002 and 0.00006; TOPMed 0.00003; gnomAD 0.00005 and 0.00006.
gnomAD v4.1: 72 of 1,171,725 alleles (0.0061%); highest among the groups gnomAD compares: Non-Finnish European, 0.008%; no homozygotes.

Submissions (2):

Labcorp Genetics (formerly Invitae), Labcorp
Classification: Likely benign. Last evaluated: 2025-08-29. Review status: criteria provided, single submitter. Criteria: Invitae Variant Classification Sherloc (09022015). Collection method: clinical testing. Allele origin: germline.

Ambry Genetics
Classification: Uncertain significance for Inborn genetic diseases. Last evaluated: 2017-06-14. Review status: criteria provided, single submitter. Criteria: Ambry Variant Classification Scheme 2023. Collection method: clinical testing. Allele origin: germline.
Comment: The p.P40L variant (also known as c.119C>T), located in coding exon 1 of the FGD1 gene, results from a C to T substitution at nucleotide position 119. The proline at codon 40 is replaced by leucine, an amino acid with similar properties. This amino acid position is well conserved in available vertebrate species. In addition, this alteration is predicted to be tolerated by in silico analysis. Since supporting evidence is limited at this time, the clinical significance of this alteration remains unclear.

NM_004463.3(FGD1):c.119C>T (p.Pro40Leu)

Gene: FGD1 (FYVE, RhoGEF and PH domain containing 1; minus strand). Cytogenetic location: Xp11.22.
Variant type: single nucleotide variant.
Coding change: c.119C>T on transcript NM_004463.3 (MANE Select); coding-DNA position 119, C replaced by T.
Protein change: p.Pro40Leu; replaces proline 40 with leucine.
Molecular consequence: missense variant.
Genome position (GRCh38, 1-based): chrX:54,495,314, G>A on the plus strand (C>T on the coding strand, the complement: FGD1 is on the minus strand). VCF-style: chrX-54495314-G-A. GRCh37 (hg19) VCF-style: chrX-54521747-G-A.
Other names: short protein forms P40L.
Identifiers: ClinVar variation 589427 (VCV000589427.6), dbSNP rs765178830, ClinGen allele CA10425314.